The following is an entry in ClinVar:

ClinVar aggregate classification (germline): Uncertain significance (1 of 4 stars; one submission).

Conditions:
Cortical dysplasia-focal epilepsy syndrome (PTHSL1). Also called: Pitt-Hopkins-like syndrome 1. Identifiers: Orphanet 163681, Orphanet 221150, MedGen C2750246, MONDO:0012400, OMIM 610042.

Submission:

Labcorp Genetics (formerly Invitae), Labcorp
Classification: Uncertain significance for Cortical dysplasia-focal epilepsy syndrome. Last evaluated: 2025-04-03. Review status: criteria provided, single submitter. Criteria: Invitae Variant Classification Sherloc (09022015). Collection method: clinical testing. Allele origin: germline.
Comment: This sequence change replaces alanine, which is neutral and non-polar, with threonine, which is neutral and polar, at codon 553 of the CNTNAP2 protein (p.Ala553Thr). This variant is not present in population databases (gnomAD no frequency). This variant has not been reported in the literature in individuals affected with CNTNAP2-related conditions. An algorithm developed to predict the effect of missense changes on protein structure and function (PolyPhen-2) suggests that this variant is likely to be tolerated. In summary, the available evidence is currently insufficient to determine the role of this variant in disease. Therefore, it has been classified as a Variant of Uncertain Significance.

NM_014141.6(CNTNAP2):c.1657G>A (p.Ala553Thr)

Gene: CNTNAP2 (contactin associated protein 2; plus strand). Cytogenetic location: 7q35.
Variant type: single nucleotide variant.
Coding change: c.1657G>A on transcript NM_014141.6 (MANE Select); coding-DNA position 1657, G replaced by A.
Protein change: p.Ala553Thr; replaces alanine 553 with threonine.
Molecular consequence: missense variant.
Genome position (GRCh38, 1-based): chr7:147,395,767, G>A. VCF-style: chr7-147395767-G-A. GRCh37 (hg19) VCF-style: chr7-147092859-G-A.
Other names: short protein forms A553T.
Identifiers: ClinVar variation 4761072 (VCV004761072.1).